The following is an entry in ClinVar:

ClinVar aggregate classification (germline): Uncertain significance (1 of 4 stars; one submission).

Allele frequency attached by ClinVar (database versions not stated): gnomAD exomes below 0.00001.
gnomAD v4.1: 1 of 1,613,662 alleles (0.000062%); highest among the groups gnomAD compares: Non-Finnish European, 0.000085%; no homozygotes.

Submission:

Genetic Services Laboratory, University of Chicago
Classification: Uncertain significance. Last evaluated: 2020-11-02. Review status: criteria provided, single submitter. Criteria: ACMG Guidelines, 2015. Collection method: clinical testing. Allele origin: germline. Affected: no.
Comment: DNA sequence analysis of the RPL15 gene demonstrated a sequence change, c.320G>C, in exon 4 that results in an amino acid change, p.Gly107Ala. This sequence change does not appear to have been previously described in patients with RPL15-related disorders and has also not been described in the large population databases such as gnomD and ExAC. The p.Gly107Ala change affects a highly conserved amino acid residue located in a domain of the RPL15 protein that is known to be functional. In-silico pathogenicity prediction tools (SIFT, PolyPhen2, Align GVGD, REVEL) provide contradictory results for the p.Gly107Ala substitution. Due to these contrasting evidences and the lack of functional studies, the clinical significance of the p.Gly107Ala change remains unknown at this time.

NM_002948.5(RPL15):c.320G>C (p.Gly107Ala)

Genes: NKIRAS1 (NFKB inhibitor interacting Ras like 1; minus strand), RPL15 (ribosomal protein L15; plus strand). Cytogenetic location: 3p24.2.
Variant type: single nucleotide variant.
Coding change: c.320G>C on transcript NM_002948.5 (MANE Select); coding-DNA position 320, G replaced by C.
Protein change: p.Gly107Ala; replaces glycine 107 with alanine.
Molecular consequence: missense variant. On other transcripts: intron variant (1).
Genome position (GRCh38, 1-based): chr3:23,919,206, G>C. VCF-style: chr3-23919206-G-C. GRCh37 (hg19) VCF-style: chr3-23960697-G-C.
Other names: c.320G>C, p.Gly107Ala (NM_001253379.2, NM_001253380.2, NM_001253382.2 and 2 more transcripts); c.-139-7756C>G (NM_001377380.1); short protein forms G107A.
Identifiers: ClinVar variation 1337766 (VCV001337766.5), dbSNP rs2125255748, ClinGen allele CA351881919.